The following is an entry in ClinVar:

NM_006922.4(SCN3A):c.4846del (p.Ser1616fs)

Gene: SCN3A (sodium voltage-gated channel alpha subunit 3; minus strand). Cytogenetic location: 2q24.3.
Variant type: Deletion.
Coding change: c.4846del on transcript NM_006922.4 (MANE Select); coding-DNA position 4846, one base deleted (T; older notation c.4846delT).
Protein change: p.Ser1616fs; shifts the reading frame from serine 1616.
Molecular consequence: frameshift variant.
Genome position (GRCh38, 1-based): chr2:165,091,307, A deleted on the plus strand (T on the coding strand, the reverse complement: SCN3A is on the minus strand). VCF-style (leftmost placement, unchanged base first): chr2-165091306-GA-G. GRCh37 (hg19) VCF-style: chr2-165947816-GA-G.
Other names: c.4699del, p.Ser1567fs (NM_001081676.2, NM_001081677.2); short protein forms S1616fs, S1567fs.
Identifiers: ClinVar variation 2129147 (VCV002129147.4), dbSNP rs2468042422, ClinGen allele CA2580064185.

ClinVar aggregate classification (germline): Uncertain significance (1 of 4 stars; one submission).

Submission:

Labcorp Genetics (formerly Invitae), Labcorp
Classification: Uncertain significance. Last evaluated: 2022-06-02. Review status: criteria provided, single submitter. Criteria: Invitae Variant Classification Sherloc (09022015). Collection method: clinical testing. Allele origin: germline.
Comment: This sequence change creates a premature translational stop signal (p.Ser1616Profs*7) in the SCN3A gene. While this is not anticipated to result in nonsense mediated decay, it is expected to disrupt the last 385 amino acid(s) of the SCN3A protein. This variant is not present in population databases (gnomAD no frequency). In summary, the available evidence is currently insufficient to determine the role of this variant in disease. Therefore, it has been classified as a Variant of Uncertain Significance. This variant has not been reported in the literature in individuals affected with SCN3A-related conditions.